The following is an entry in ClinVar:

NM_017534.6(MYH2):c.2833A>C (p.Lys945Gln)

Genes: MYH2 (myosin heavy chain 2; minus strand), MYHAS (myosin heavy chain gene cluster antisense RNA; plus strand). Cytogenetic location: 17p13.1.
Variant type: single nucleotide variant.
Coding change: c.2833A>C on transcript NM_017534.6 (MANE Select); coding-DNA position 2833, A replaced by C.
Protein change: p.Lys945Gln; replaces lysine 945 with glutamine.
Molecular consequence: missense variant.
Genome position (GRCh38, 1-based): chr17:10,529,939, T>G on the plus strand (A>C on the coding strand, the complement: MYH2 is on the minus strand). VCF-style: chr17-10529939-T-G. GRCh37 (hg19) VCF-style: chr17-10433256-T-G.
Other names: c.2833A>C, p.Lys945Gln (NM_001100112.2); short protein forms K945Q.
Identifiers: ClinVar variation 2724006 (VCV002724006.3), dbSNP rs2073404916, ClinGen allele CA398142162.

ClinVar aggregate classification (germline): Uncertain significance (1 of 4 stars; one submission).

Conditions:
Myopathy, proximal, and ophthalmoplegia (CMYO6). Also called: CONGENITAL MYOPATHY 6 WITH OPHTHALMOPLEGIA; INCLUSION BODY MYOPATHY 3, AUTOSOMAL DOMINANT; MYOPATHY WITH CONGENITAL JOINT CONTRACTURES, OPHTHALMOPLEGIA, AND RIMMED VACUOLES. Identifiers: Orphanet 363677, Orphanet 79091, MedGen C1854106, MONDO:0011577, OMIM 605637.

Allele frequency attached by ClinVar (database versions not stated): gnomAD exomes below 0.00001; gnomAD 0.00001.
gnomAD v4.1: 4 of 1,612,948 alleles (0.00025%); highest among the groups gnomAD compares: Non-Finnish European, 0.00025%; no homozygotes.

Submission:

Labcorp Genetics (formerly Invitae), Labcorp
Classification: Uncertain significance for Myopathy, proximal, and ophthalmoplegia. Last evaluated: 2023-12-27. Review status: criteria provided, single submitter. Criteria: Invitae Variant Classification Sherloc (09022015). Collection method: clinical testing. Allele origin: germline.
Comment: This sequence change replaces lysine, which is basic and polar, with glutamine, which is neutral and polar, at codon 945 of the MYH2 protein (p.Lys945Gln). This variant is not present in population databases (gnomAD no frequency). This variant has not been reported in the literature in individuals affected with MYH2-related conditions. Advanced modeling of protein sequence and biophysical properties (such as structural, functional, and spatial information, amino acid conservation, physicochemical variation, residue mobility, and thermodynamic stability) has been performed at Invitae for this missense variant, however the output from this modeling did not meet the statistical confidence thresholds required to predict the impact of this variant on MYH2 protein function. In summary, the available evidence is currently insufficient to determine the role of this variant in disease. Therefore, it has been classified as a Variant of Uncertain Significance.